The following is an entry in ClinVar:

ClinVar aggregate classification (germline): Uncertain significance (1 of 4 stars; one submission).

Submission:

GeneDx
Classification: Uncertain significance. Last evaluated: 2025-06-06. Review status: criteria provided, single submitter. Criteria: GeneDx Variant Classification Process June 2021. Collection method: clinical testing. Allele origin: germline. Affected: yes.
Comment: Not observed at significant frequency in large population cohorts (gnomAD); In silico analysis supports that this missense variant has a deleterious effect on protein structure/function; Has not been previously published as a pathogenic or benign germline variant to our knowledge; This variant is associated with the following publications: (PMID: Kurkowiak2017[Other])

NM_013450.4(BAZ2B):c.390T>G (p.Phe130Leu)

Gene: BAZ2B (bromodomain adjacent to zinc finger domain 2B; minus strand). Cytogenetic location: 2q24.2.
Variant type: single nucleotide variant.
Coding change: c.390T>G on transcript NM_013450.4 (MANE Select); coding-DNA position 390, T replaced by G.
Protein change: p.Phe130Leu; replaces phenylalanine 130 with leucine.
Molecular consequence: missense variant.
Genome position (GRCh38, 1-based): chr2:159,448,354, A>C on the plus strand (T>G on the coding strand, the complement: BAZ2B is on the minus strand). VCF-style: chr2-159448354-A-C. GRCh37 (hg19) VCF-style: chr2-160304865-A-C.
Other names: c.384T>G, p.Phe128Leu (NM_001289975.1); c.201T>G, p.Phe67Leu (NM_001329857.2); c.390T>G, p.Phe130Leu (NM_001329858.2); short protein forms F128L, F130L, F67L.
Identifiers: ClinVar variation 4536210 (VCV004536210.1).
Genomic context (GRCh38, chr2:159,448,354, plus strand): 5'-AGAAGAATCATGATTCTGGGCTGGGGGAGCAAATAGTGGTGGAATTCCCAGTAATGGTGG[A>C]AAGAAGGTTGCTCCTGTACGAGTATGAGCATCAGTTGTTCGCCACCATTCTGCACCTCAA-3'
Protein context (NP_038478.2, residues 120-140): DAHTRTGATF[Phe130Leu]PPLLGIPPLF